The following is an entry in ClinVar:

NM_172107.4(KCNQ2):c.624del (p.Met208fs)

Gene: KCNQ2 (potassium voltage-gated channel subfamily Q member 2; minus strand). Cytogenetic location: 20q13.33.
Variant type: Deletion.
Coding change: c.624del on transcript NM_172107.4 (MANE Select); coding-DNA position 624, one base deleted (G; older notation c.624delG).
Protein change: p.Met208fs; shifts the reading frame from methionine 208.
Molecular consequence: frameshift variant.
Genome position (GRCh38, 1-based): chr20:63,444,725, C deleted on the plus strand (G on the coding strand, the reverse complement: KCNQ2 is on the minus strand). VCF-style (leftmost placement, unchanged base first): chr20-63444724-TC-T. GRCh37 (hg19) VCF-style: chr20-62076077-TC-T.
Other names: c.624del, p.Met208fs (NM_004518.6, NM_172106.3, NM_172108.5 and 1 more transcripts); short protein forms M208fs.
Identifiers: ClinVar variation 265338 (VCV000265338.2), dbSNP rs886039485, ClinGen allele CA10588705.

ClinVar aggregate classification (germline): Pathogenic (1 of 4 stars; one submission).

Submission:

GeneDx
Classification: Pathogenic. Last evaluated: 2015-06-16. Review status: criteria provided, single submitter. Criteria: GeneDx Variant Classification (06012015). Collection method: clinical testing. Allele origin: germline. Affected: yes.
Comment: The c.624delG variant in the KCNQ2 gene causes a frameshift starting with codon Methionine 208, changes this amino acid to an Isoleucine residue and creates a premature Stop codon at position 65 of the new reading frame, denoted p.Met208IlefsX65. This variant is predicted to cause loss of normal protein function through protein truncation or nonsense-mediated mRNA decay. Although this variant has not been previously reported to our knowledge, other truncating mutations in the KCNQ2 gene have been reported in association with KCNQ2-related disorders (Stenson et al., 2014).